The following is an entry in ClinVar:

ClinVar aggregate classification (germline): Pathogenic. Review status: criteria provided, multiple submitters, no conflicts (2 of 4 stars). 9 submissions from 9 submitters: Pathogenic (8). 1 of the submissions does not count toward it. Last evaluated 2026-01-22.

Conditions:
PHEX-related disorder. Also called: PHEX-related condition.
Childhood hypophosphatasia. Identifiers: Orphanet 247667, Orphanet 436, MedGen C0220743, MONDO:1010168, OMIM 241510, MONDO:0009428.
Familial X-linked hypophosphatemic vitamin D refractory rickets (XLHRD). Also called: X-Linked Hypophosphatemia; HYPOPHOSPHATEMIC VITAMIN D-RESISTANT RICKETS; Hypophosphatemic Rickets, X-Linked Dominant; Hypophosphatemia, vitamin D-resistant rickets; Vitamin D-resistant rickets, X-linked. Identifiers: Orphanet 89936, MedGen C0733682, MONDO:0010619, OMIM 307800.

Submissions (9):

Labcorp Genetics (formerly Invitae), Labcorp
Classification: Pathogenic. Last evaluated: 2026-01-22. Review status: criteria provided, single submitter. Criteria: Invitae Variant Classification Sherloc (09022015). Collection method: clinical testing. Allele origin: germline.
Comment: This sequence change creates a premature translational stop signal (p.Arg549*) in the PHEX gene. It is expected to result in an absent or disrupted protein product. Loss-of-function variants in PHEX are known to be pathogenic (PMID: 9097956, 9106524, 19219621). This variant is not present in population databases (gnomAD no frequency). This premature translational stop signal has been observed in individuals with hypophosphatemia (PMID: 9097956, 24836714, 29460029). ClinVar contains an entry for this variant (Variation ID: 279870). For these reasons, this variant has been classified as Pathogenic.

Genomic Medicine Center of Excellence, King Faisal Specialist Hospital and Research Centre
Classification: Pathogenic for Familial X-linked hypophosphatemic vitamin D refractory rickets. Last evaluated: 2024-01-12. Review status: criteria provided, single submitter. Criteria: ACMG Guidelines, 2015. Collection method: clinical testing. Allele origin: germline.

Greenwood Genetic Center Diagnostic Laboratories, Greenwood Genetic Center
Classification: Pathogenic for Familial X-linked hypophosphatemic vitamin D refractory rickets. Last evaluated: 2023-05-23. Review status: criteria provided, single submitter. Criteria: ACMG Guidelines, 2015. Collection method: clinical testing. Allele origin: germline. Affected: yes.
Comment: PVS1, PS4

MGZ Medical Genetics Center
Classification: Pathogenic for Familial X-linked hypophosphatemic vitamin D refractory rickets. Last evaluated: 2022-07-19. Review status: criteria provided, single submitter. Criteria: ACMG Guidelines, 2015. Collection method: clinical testing. Allele origin: germline. Affected: yes. Observed: 1 variant allele.
Comment: ACMG criteria applied: PVS1, PS4_MOD, PM2_SUP

3billion
Classification: Pathogenic for Familial X-linked hypophosphatemic vitamin D refractory rickets. Last evaluated: 2022-05-22. Review status: criteria provided, single submitter. Criteria: ACMG Guidelines, 2015. Collection method: clinical testing. Allele origin: germline. Affected: yes. Observed: 1 heterozygote.
Comment: The variant is not observed in the gnomAD v2.1.1 dataset. Stop-gained (nonsense): predicted to result in a loss or disruption of normal protein function through nonsense-mediated decay (NMD) or protein truncation. Multiple pathogenic variants are reported downstream of the variant. The variant has been reported at least twice as pathogenic with clinical assertions and evidence for the classification (ClinVar ID: VCV000279870 / PMID: 9097956). Therefore, this variant is classified as pathogenic according to the recommendation of ACMG/AMP guideline.

Blueprint Genetics
Classification: Pathogenic for PHEX-related disorders. Last evaluated: 2021-12-23. Review status: criteria provided, single submitter. Criteria: ACMG Guidelines, 2015. Collection method: clinical testing. Allele origin: germline. Affected: yes. Observed: 1 variant allele.

GeneDx
Classification: Pathogenic. Last evaluated: 2019-05-15. Review status: criteria provided, single submitter. Criteria: GeneDx Variant Classification Process June 2021. Collection method: clinical testing. Allele origin: germline. Affected: yes.
Comment: Nonsense variant predicted to result in protein truncation or nonsense mediated decay in a gene for which loss-of-function is a known mechanism of disease; Not observed in large population cohorts (Lek et al., 2016); This variant is associated with the following publications: (PMID: 16636593, 24836714, 21902834, 19219621, 24926462, 26051471, 29505567, 14564077, 14564066, 23079138, 9097956, 29460029, 30682568, 31102713)

Athena Diagnostics
Classification: Pathogenic. Last evaluated: 2017-05-02. Review status: criteria provided, single submitter. Criteria: Athena Diagnostics Criteria. Collection method: clinical testing. Allele origin: germline.

Department of Pediatric Endocrinology, Shriners Hospitals for Children - Mexico City
No classification provided. Condition: Childhood hypophosphatasia. Review status: no classification provided. Collection method: phenotyping only. Allele origin: germline. Inheritance: X-linked dominant inheritance. Affected: yes. Observed: 1 variant allele. Not counted in ClinVar's aggregate classification.

Literature cited by the submitters: PubMed 9097956 (cited by 3 submitters); PubMed 9106524 (cited by Labcorp Genetics (formerly Invitae), Labcorp); PubMed 19219621 (cited by Labcorp Genetics (formerly Invitae), Labcorp and Athena Diagnostics); PubMed 24836714 (cited by Labcorp Genetics (formerly Invitae), Labcorp and Athena Diagnostics); PubMed 29460029 (cited by Labcorp Genetics (formerly Invitae), Labcorp); PubMed 14564077 (cited by Athena Diagnostics); PubMed 25525159 (cited by Athena Diagnostics); PubMed 21902834 (cited by Athena Diagnostics).

NM_000444.6(PHEX):c.1645C>T (p.Arg549Ter)

Gene: PHEX (phosphate regulating endopeptidase X-linked; plus strand). Cytogenetic location: Xp22.11.
Variant type: single nucleotide variant.
Coding change: c.1645C>T on transcript NM_000444.6 (MANE Select); coding-DNA position 1645, C replaced by T.
Protein change: p.Arg549Ter; replaces arginine 549 with a stop codon.
Molecular consequence: nonsense.
Genome position (GRCh38, 1-based): chrX:22,190,502, C>T. VCF-style: chrX-22190502-C-T. GRCh37 (hg19) VCF-style: chrX-22208619-C-T.
Other names: c.1645C>T, p.Arg549Ter (NM_001282754.2); short protein forms R549*.
Identifiers: ClinVar variation 279870 (VCV000279870.19), dbSNP rs886041224, ClinGen allele CA10603715.
Genomic context (GRCh38, chrX:22,190,502, plus strand): 5'-AGGTGGTTTACAAATCCGACGACTGTCAATGCCTTCTACAGTGCATCCACCAACCAGATC[C>T]GTGAGTACGGGTTCCTTGTCTCCTTGGTAACCTGGTATAAAATGCAAAGAACTTTTCCAT-3'